The following is an entry in ClinVar:

NM_005148.4(UNC119):c.*83G>C

Gene: UNC119 (unc-119 lipid binding chaperone; minus strand). Cytogenetic location: 17q11.2.
Variant type: single nucleotide variant.
Coding change: c.*83G>C on transcript NM_005148.4 (MANE Select); 83 bases downstream of the stop codon, G replaced by C.
Molecular consequence: 3 prime UTR variant.
Genome position (GRCh38, 1-based): chr17:28,547,214, C>G on the plus strand (G>C on the coding strand, the complement: UNC119 is on the minus strand). VCF-style: chr17-28547214-C-G. GRCh37 (hg19) VCF-style: chr17-26874232-C-G.
Other names: c.*83G>C (NM_001330166.2); c.*410G>C (NM_054035.2).
Identifiers: ClinVar variation 322457 (VCV000322457.5), dbSNP rs566810319, ClinGen allele CA10639268.

ClinVar aggregate classification (germline): Benign (1 of 4 stars; one submission).

Conditions:
Cone-rod dystrophy. Also called: Cone/cone-rod dystrophy; Cone-rod degeneration. Identifiers: Orphanet 1872, MedGen C4085590, MONDO:0015993, HP:0000548.

Allele frequency attached by ClinVar (database versions not stated): gnomAD 0.00021 and 0.00022; TOPMed 0.00029; 1000 Genomes Project 30x 0.00047; 1000 Genomes Project 0.00060.

Submission:

Illumina Laboratory Services, Illumina
Classification: Benign for Cone-rod dystrophy. Last evaluated: 2018-01-12. Review status: criteria provided, single submitter. Criteria: ICSL Variant Classification Criteria 13 December 2019. Collection method: clinical testing. Allele origin: germline.
Comment: This variant was observed in the ICSL laboratory as part of a predisposition screen in an ostensibly healthy population. It had not been previously curated by ICSL or reported in the Human Gene Mutation Database (HGMD: prior to June 1st, 2018), and was therefore a candidate for classification through an automated scoring system. Utilizing variant allele frequency, disease prevalence and penetrance estimates, and inheritance mode, an automated score was calculated to assess if this variant is too frequent to cause the disease. Based on the score and internal cut-off values, a variant classified as benign is not then subjected to further curation. The score for this variant resulted in a classification of benign for this disease.